The following is an entry in ClinVar:

NM_014639.4(SKIC3):c.3031C>T (p.Gln1011Ter)

Gene: SKIC3 (SKI3 subunit of superkiller complex; minus strand). Cytogenetic location: 5q15.
Variant type: single nucleotide variant.
Coding change: c.3031C>T on transcript NM_014639.4 (MANE Select); coding-DNA position 3031, C replaced by T.
Protein change: p.Gln1011Ter; replaces glutamine 1011 with a stop codon.
Molecular consequence: nonsense.
Genome position (GRCh38, 1-based): chr5:95,506,995, G>A on the plus strand (C>T on the coding strand, the complement: SKIC3 is on the minus strand). VCF-style: chr5-95506995-G-A. GRCh37 (hg19) VCF-style: chr5-94842699-G-A.
Other names: short protein forms Q1011*.
Identifiers: ClinVar variation 2805812 (VCV002805812.3), dbSNP rs751701564, ClinGen allele CA360454218.

ClinVar aggregate classification (germline): Pathogenic (1 of 4 stars; one submission).

gnomAD v4.1: 1 of 1,611,962 alleles (0.000062%); highest among the groups gnomAD compares: Non-Finnish European, 0.000085%; no homozygotes.

Submission:

Labcorp Genetics (formerly Invitae), Labcorp
Classification: Pathogenic. Last evaluated: 2023-08-04. Review status: criteria provided, single submitter. Criteria: Invitae Variant Classification Sherloc (09022015). Collection method: clinical testing. Allele origin: germline.
Comment: For these reasons, this variant has been classified as Pathogenic. Algorithms developed to predict the effect of sequence changes on RNA splicing suggest that this variant may disrupt the consensus splice site. This variant has not been reported in the literature in individuals affected with TTC37-related conditions. This variant is not present in population databases (gnomAD no frequency). This sequence change creates a premature translational stop signal (p.Gln1011*) in the TTC37 gene. It is expected to result in an absent or disrupted protein product. Loss-of-function variants in TTC37 are known to be pathogenic (PMID: 20176027, 21120949).

Literature cited by the submitters: PubMed 20176027; PubMed 21120949.